The following is an entry in ClinVar:

ClinVar aggregate classification (germline): Pathogenic (1 of 4 stars; one submission).

Conditions:
Retinitis pigmentosa 12 (RP12). Also called: RP WITH OR WITHOUT PPRPE; RP WITH OR WITHOUT PRESERVED PARAARTERIOLE RETINAL PIGMENT EPITHELIUM; RETINITIS PIGMENTOSA WITH OR WITHOUT PARAARTERIOLAR PRESERVATION OF RETINAL PIGMENT EPITHELIUM. Identifiers: Orphanet 791, MedGen C1838647, MONDO:0010818, OMIM 600105.
Leber congenital amaurosis 8 (LCA8). Identifiers: Orphanet 65, MedGen C3151202, MONDO:0013453, OMIM 613835.

Submission:

Labcorp Genetics (formerly Invitae), Labcorp
Classification: Pathogenic for Leber congenital amaurosis 8; Retinitis pigmentosa 12. Last evaluated: 2023-01-24. Review status: criteria provided, single submitter. Criteria: Invitae Variant Classification Sherloc (09022015). Collection method: clinical testing. Allele origin: germline.
Comment: For these reasons, this variant has been classified as Pathogenic. This variant disrupts a region of the CRB1 protein in which other variant(s) (p.Gly846Arg) have been determined to be pathogenic (PMID: 12573663, 20956273, 28341476). This suggests that this is a clinically significant region of the protein, and that variants that disrupt it are likely to be disease-causing. This variant has not been reported in the literature in individuals affected with CRB1-related conditions. This variant is not present in population databases (gnomAD no frequency). This variant, c.2527_2598del, results in the deletion of 24 amino acid(s) of the CRB1 protein (p.Leu843_Pro866del), but otherwise preserves the integrity of the reading frame.

Literature cited by the submitters: PubMed 12573663; PubMed 20956273; PubMed 28341476.

NM_201253.3(CRB1):c.2527_2598del (p.Leu843_Pro866del)

Gene: CRB1 (crumbs cell polarity complex component 1; plus strand). Cytogenetic location: 1q31.3.
Variant type: Deletion.
Coding change: c.2527_2598del on transcript NM_201253.3 (MANE Select); coding-DNA positions 2527 to 2598, 72 bases deleted.
Protein change: p.Leu843_Pro866del.
Molecular consequence: inframe deletion. On other transcripts: non-coding transcript variant (2), intron variant (1).
Genome position (GRCh38, 1-based): chr1:197,427,852-197,427,923, 72 bases deleted. GRCh37 (hg19): chr1:197,396,982-197,397,053.
Other names: c.2191_2262del, p.Leu731_Pro754del (NM_001193640.2); c.2320_2391del, p.Leu774_Pro797del (NM_001257965.2); c.2128+5896_2128+5967del (NM_001257966.2).
Identifiers: ClinVar variation 2129122 (VCV002129122.4), dbSNP rs2528151865, ClinGen allele CA2580061831.